The following is an entry in ClinVar:

ClinVar aggregate classification (germline): Uncertain significance. Review status: criteria provided, multiple submitters, no conflicts (2 of 4 stars). 2 submissions from 2 submitters: Uncertain significance (2). Last evaluated 2023-07-26.

Conditions:
POLD1-related polyposis and colorectal cancer syndrome (CRCS10). Also called: Colorectal cancer 10; COLORECTAL CANCER, SUSCEPTIBILITY TO, ON CHROMOSOME 19q; Colorectal cancer, susceptibility to, 10. Identifiers: Orphanet 220460, MedGen C2675481, MONDO:0012953, OMIM 612591.

Allele frequency attached by ClinVar (database versions not stated): gnomAD 0.00001.
gnomAD v4.1: 1 of 1,613,422 alleles (0.000062%); highest among the groups gnomAD compares: Admixed American, 0.0017%; no homozygotes.

Submissions (2):

GeneDx
Classification: Uncertain significance. Last evaluated: 2023-07-26. Review status: criteria provided, single submitter. Criteria: GeneDx Variant Classification Process June 2021. Collection method: clinical testing. Allele origin: germline. Affected: yes.
Comment: Not observed at significant frequency in large population cohorts (gnomAD); In silico analysis supports that this missense variant has a deleterious effect on protein structure/function; Has not been previously published as pathogenic or benign to our knowledge

Labcorp Genetics (formerly Invitae), Labcorp
Classification: Uncertain significance for POLD1-related polyposis and colorectal cancer syndrome. Last evaluated: 2023-03-02. Review status: criteria provided, single submitter. Criteria: Invitae Variant Classification Sherloc (09022015). Collection method: clinical testing. Allele origin: germline.
Comment: Advanced modeling of protein sequence and biophysical properties (such as structural, functional, and spatial information, amino acid conservation, physicochemical variation, residue mobility, and thermodynamic stability) performed at Invitae indicates that this missense variant is not expected to disrupt POLD1 protein function. In summary, the available evidence is currently insufficient to determine the role of this variant in disease. Therefore, it has been classified as a Variant of Uncertain Significance. This variant has not been reported in the literature in individuals affected with POLD1-related conditions. This variant is not present in population databases (gnomAD no frequency). This sequence change replaces aspartic acid, which is acidic and polar, with histidine, which is basic and polar, at codon 679 of the POLD1 protein (p.Asp679His).

NM_002691.4(POLD1):c.2035G>C (p.Asp679His)

Gene: POLD1 (DNA polymerase delta 1, catalytic subunit; plus strand). Cytogenetic location: 19q13.33.
Variant type: single nucleotide variant.
Coding change: c.2035G>C on transcript NM_002691.4 (MANE Select); coding-DNA position 2035, G replaced by C.
Protein change: p.Asp679His; replaces aspartic acid 679 with histidine.
Molecular consequence: missense variant. On other transcripts: non-coding transcript variant (1).
Genome position (GRCh38, 1-based): chr19:50,409,547, G>C. VCF-style: chr19-50409547-G-C. GRCh37 (hg19) VCF-style: chr19-50912804-G-C.
Other names: c.2035G>C, p.Asp679His (NM_001256849.1); c.2113G>C, p.Asp705His (NM_001308632.1); c.2035G>C (NM_002691.3); short protein forms D705H, D679H.
Identifiers: ClinVar variation 2862564 (VCV002862564.4), dbSNP rs2039020026, ClinGen allele CA406982495.